The following is an entry in ClinVar:

ClinVar aggregate classification (germline): Benign/Likely benign. Review status: criteria provided, multiple submitters, no conflicts (2 of 4 stars). 3 submissions from 3 submitters: Benign (1); Likely benign (2). Last evaluated 2025-09-15.

Conditions:
Hereditary cancer-predisposing syndrome. Also called: Hereditary neoplastic syndrome; Neoplastic Syndromes, Hereditary; Tumor predisposition; Hereditary Cancer Syndrome. Identifiers: Orphanet 140162, MedGen C0027672, MeSH D009386, MONDO:0015356.
Multiple endocrine neoplasia, type 1 (MEN1). Also called: MEA I; MEN I; WERMER SYNDROME; Endocrine adenomatosis multiple; MEN 1. Identifiers: Orphanet 652, MedGen C0025267, MeSH D018761, MONDO:0007540, OMIM 131100.

Allele frequency attached by ClinVar (database versions not stated): gnomAD exomes below 0.00001; gnomAD 0.00001; TOPMed 0.00001.
gnomAD v4.1: 2 of 1,614,098 alleles (0.00012%); highest among the groups gnomAD compares: Non-Finnish European, 0.00017%; no homozygotes.

Submissions (3):

Labcorp Genetics (formerly Invitae), Labcorp
Classification: Likely benign for Multiple endocrine neoplasia, type 1. Last evaluated: 2025-09-15. Review status: criteria provided, single submitter. Criteria: Invitae Variant Classification Sherloc (09022015). Collection method: clinical testing. Allele origin: germline.

Myriad Genetics, Inc.
Classification: Benign for Multiple endocrine neoplasia, type 1. Last evaluated: 2024-11-04. Review status: criteria provided, single submitter. Criteria: Myriad Autosomal Dominant, Autosomal Recessive and X-Linked Classification Criteria (2023). Collection method: clinical testing. Allele origin: unknown.
Comment: This variant is considered benign. This variant is a silent/synonymous amino acid change and it is not expected to impact splicing.

Ambry Genetics
Classification: Likely benign for Hereditary cancer-predisposing syndrome. Last evaluated: 2016-07-11. Review status: criteria provided, single submitter. Criteria: Ambry Variant Classification Scheme 2023. Collection method: clinical testing. Allele origin: germline.

NM_001370259.2(MEN1):c.1020C>A (p.Ala340=)

Gene: MEN1 (menin 1; minus strand). Cytogenetic location: 11q13.1.
Variant type: single nucleotide variant.
Coding change: c.1020C>A on transcript NM_001370259.2 (MANE Select); coding-DNA position 1020, C replaced by A.
Protein change: p.Ala340=; no amino-acid change (alanine 340 retained).
Molecular consequence: synonymous variant.
Genome position (GRCh38, 1-based): chr11:64,806,261, G>T on the plus strand (C>A on the coding strand, the complement: MEN1 is on the minus strand). VCF-style: chr11-64806261-G-T. GRCh37 (hg19) VCF-style: chr11-64573733-G-T.
Other names: c.1035C>A, p.Ala345= (NM_000244.4, NM_130800.3, NM_130801.3 and 3 more transcripts); c.1020C>A, p.Ala340= (NM_001370251.2, NM_001370260.2, NM_001370261.2 and 1 more transcripts); c.915C>A, p.Ala305= (NM_001370262.2, NM_001370263.2).
Identifiers: ClinVar variation 412574 (VCV000412574.18), dbSNP rs1060503796, ClinGen allele CA16613683.